The following is an entry in ClinVar:

NM_000152.5(GAA):c.1062C>G (p.Tyr354Ter)

Gene: GAA (alpha glucosidase; plus strand). Cytogenetic location: 17q25.3.
Variant type: single nucleotide variant.
Coding change: c.1062C>G on transcript NM_000152.5 (MANE Select); coding-DNA position 1062, C replaced by G.
Protein change: p.Tyr354Ter; replaces tyrosine 354 with a stop codon.
Molecular consequence: nonsense.
Genome position (GRCh38, 1-based): chr17:80,108,396, C>G. VCF-style: chr17-80108396-C-G. GRCh37 (hg19) VCF-style: chr17-78082195-C-G.
Other names: c.1062C>G, p.Tyr354Ter (NM_001079803.3, NM_001079804.3, NM_001406741.1 and 1 more transcripts); short protein forms Y354*.
Identifiers: ClinVar variation 4710429 (VCV004710429.2).
Genomic context (GRCh38, chr17:80,108,396, plus strand): 5'-TGGGATCCTGGATGTCTACATCTTCCTGGGCCCAGAGCCCAAGAGCGTGGTGCAGCAGTA[C>G]CTGGACGTTGTGGGTAGGGCCTGCTCCCTGGCCGCGGCCCCCGCCCCAAGGCTCCCTCCT-3'

ClinVar aggregate classification (germline): Pathogenic. Review status: criteria provided, multiple submitters, no conflicts (2 of 4 stars). 2 submissions from 2 submitters: Pathogenic (2). Last evaluated 2026-07-01.

Conditions:
Glycogen storage disease, type II (IOPD). Also called: CARDIOMEGALIA GLYCOGENICA DIFFUSA; GLYCOGENOSIS, GENERALIZED, CARDIAC FORM; GSD II; Glycogen storage disease type 2; Acid maltase deficiency disease; Aglucosidase alfa. Identifiers: Orphanet 365, MedGen C0017921, MONDO:0009290, OMIM 232300.

Submissions (2):

Genomenon, Inc
Classification: Pathogenic for Glycogen storage disease, type II. Last evaluated: 2026-07-01. Review status: criteria provided, single submitter. Criteria: Genomenon Sequence Variant Interpretation Standards - Updated. Collection method: curation. Allele origin: germline. Affected: yes.
Comment: GAA p.Tyr354Ter (c.1062C>G) is a nonsense variant that introduces a premature stop codon at amino acid position 354 and is predicted to result in a truncated or absent protein product. This variant has been observed in at least one proband with a GAA-related disorder (PMID:21926084;19948615;27189384). It is absent or not present at a significant frequency in gnomAD. In conclusion, we classify GAA p.Tyr354Ter (c.1062C>G) as a pathogenic variant.

Labcorp Genetics (formerly Invitae), Labcorp
Classification: Pathogenic for Glycogen storage disease, type II. Last evaluated: 2025-02-27. Review status: criteria provided, single submitter. Criteria: Invitae Variant Classification Sherloc (09022015). Collection method: clinical testing. Allele origin: germline.
Comment: This sequence change creates a premature translational stop signal (p.Tyr354*) in the GAA gene. It is expected to result in an absent or disrupted protein product. Loss-of-function variants in GAA are known to be pathogenic (PMID: 18425781, 22252923). This variant is not present in population databases (gnomAD no frequency). This premature translational stop signal has been observed in individual(s) with Pompe disease (PMID: 18425781, 31254424). Algorithms developed to predict the effect of sequence changes on RNA splicing suggest that this variant may disrupt the consensus splice site. For these reasons, this variant has been classified as Pathogenic.

Literature cited by the submitters: PubMed 21926084 (cited by Genomenon, Inc); PubMed 19948615 (cited by Genomenon, Inc); PubMed 27189384 (cited by Genomenon, Inc); PubMed 18425781 (cited by Labcorp Genetics (formerly Invitae), Labcorp); PubMed 22252923 (cited by Labcorp Genetics (formerly Invitae), Labcorp); PubMed 31254424 (cited by Labcorp Genetics (formerly Invitae), Labcorp).